The following is an entry in ClinVar:

NM_002437.5(MPV17):c.40C>T (p.His14Tyr)

Gene: MPV17 (mitochondrial inner membrane protein MPV17; minus strand). Cytogenetic location: 2p23.3.
Variant type: single nucleotide variant.
Coding change: c.40C>T on transcript NM_002437.5 (MANE Select); coding-DNA position 40, C replaced by T.
Protein change: p.His14Tyr; replaces histidine 14 with tyrosine.
Molecular consequence: missense variant.
Genome position (GRCh38, 1-based): chr2:27,322,478, G>A on the plus strand (C>T on the coding strand, the complement: MPV17 is on the minus strand). VCF-style: chr2-27322478-G-A. GRCh37 (hg19) VCF-style: chr2-27545345-G-A.
Other names: short protein forms H14Y.
Identifiers: ClinVar variation 4057922 (VCV004057922.9).

ClinVar aggregate classification (germline): Uncertain significance. Review status: criteria provided, single submitter (1 of 4 stars). 2 submissions from 2 submitters: Uncertain significance (1). 1 of the submissions does not count toward it. Last evaluated 2025-07-01.

Conditions:
Mitochondrial DNA depletion syndrome, hepatocerebral form. Identifiers: Orphanet 254871, MedGen C3711385, MONDO:0100512.

gnomAD v4.1: 1 of 1,614,002 alleles (0.000062%); highest among the groups gnomAD compares: Admixed American, 0.0017%; no homozygotes.

Submissions (2):

CeGaT Center for Human Genetics Tuebingen
Classification: Uncertain significance. Last evaluated: 2025-07-01. Review status: criteria provided, single submitter. Criteria: CeGaT Center For Human Genetics Tuebingen Variant Classification Criteria Version 2. Collection method: clinical testing. Allele origin: germline. Affected: yes. Observed: 1 variant allele.
Comment: MPV17: PM2, PP3

Natera, Inc.
Classification: Uncertain significance for Mitochondrial DNA depletion syndrome, hepatocerebral form. Last evaluated: 2025-01-07. Review status: no assertion criteria provided. Collection method: clinical testing. Allele origin: germline. Not counted in ClinVar's aggregate classification.